The following is an entry in ClinVar:

ClinVar aggregate classification (germline): Uncertain significance (1 of 4 stars; one submission).

Submission:

Labcorp Genetics (formerly Invitae), Labcorp
Classification: Uncertain significance. Last evaluated: 2024-08-05. Review status: criteria provided, single submitter. Criteria: Invitae Variant Classification Sherloc (09022015). Collection method: clinical testing. Allele origin: germline.
Comment: This sequence change replaces aspartic acid, which is acidic and polar, with glycine, which is neutral and non-polar, at codon 695 of the RIMS1 protein (p.Asp695Gly). This variant is not present in population databases (gnomAD no frequency). This variant has not been reported in the literature in individuals affected with RIMS1-related conditions. An algorithm developed to predict the effect of missense changes on protein structure and function (PolyPhen-2) suggests that this variant is likely to be disruptive. In summary, the available evidence is currently insufficient to determine the role of this variant in disease. Therefore, it has been classified as a Variant of Uncertain Significance.

NM_014989.7(RIMS1):c.2084A>G (p.Asp695Gly)

Gene: RIMS1 (regulating synaptic membrane exocytosis 1; plus strand). Cytogenetic location: 6q13.
Variant type: single nucleotide variant.
Coding change: c.2084A>G on transcript NM_014989.7 (MANE Select); coding-DNA position 2084, A replaced by G.
Protein change: p.Asp695Gly; replaces aspartic acid 695 with glycine.
Molecular consequence: missense variant.
Genome position (GRCh38, 1-based): chr6:72,245,817, A>G. VCF-style: chr6-72245817-A-G. GRCh37 (hg19) VCF-style: chr6-72955520-A-G.
Other names: c.506A>G, p.Asp169Gly (NM_001350449.2, NM_001350452.2, NM_001350454.2 and 37 more transcripts); c.437A>G, p.Asp146Gly (NM_001350450.2, NM_001350471.2, NM_001350428.2 and 6 more transcripts); c.461A>G, p.Asp154Gly (NM_001350472.2, NM_001350473.2, NM_001350474.2 and 2 more transcripts); c.263A>G, p.Asp88Gly (NM_001350466.2, NM_001350467.2, NM_001350468.2 and 6 more transcripts); short protein forms D169G, D154G, D146G, D695G, D88G.
Identifiers: ClinVar variation 3661503 (VCV003661503.2).